The following is an entry in ClinVar:

ClinVar aggregate classification (germline): Uncertain significance (1 of 4 stars; one submission).

Conditions:
Inborn genetic diseases. Identifiers: MedGen C0950123, MeSH D030342.

gnomAD v4.1: 2 of 1,465,648 alleles (0.00014%); highest among the groups gnomAD compares: Middle Eastern, 0.024%; no homozygotes.

Submission:

Ambry Genetics
Classification: Uncertain significance for Inborn genetic diseases. Last evaluated: 2025-11-24. Review status: criteria provided, single submitter. Criteria: Ambry Variant Classification Scheme 2023. Collection method: clinical testing. Allele origin: germline.
Comment: The p.R94C variant (also known as c.280C>T), located in coding exon 1 of the SH2B3 gene, results from a C to T substitution at nucleotide position 280. The arginine at codon 94 is replaced by cysteine, an amino acid with highly dissimilar properties. This amino acid position is conserved. In addition, this alteration is predicted to be tolerated by in silico analysis. Based on the available evidence, the clinical significance of this variant remains unclear.

NM_005475.3(SH2B3):c.280C>T (p.Arg94Cys)

Gene: SH2B3 (SH2B adaptor protein 3; plus strand). Cytogenetic location: 12q24.12.
Variant type: single nucleotide variant.
Coding change: c.280C>T on transcript NM_005475.3 (MANE Select); coding-DNA position 280, C replaced by T.
Protein change: p.Arg94Cys; replaces arginine 94 with cysteine.
Molecular consequence: missense variant.
Genome position (GRCh38, 1-based): chr12:111,418,425, C>T. VCF-style: chr12-111418425-C-T. GRCh37 (hg19) VCF-style: chr12-111856229-C-T.
Other names: short protein forms R94C.
Identifiers: ClinVar variation 4630766 (VCV004630766.1).